The following is an entry in ClinVar:

NM_024642.5(GALNT12):c.1463T>G (p.Phe488Cys)

Gene: GALNT12 (polypeptide N-acetylgalactosaminyltransferase 12; plus strand). Cytogenetic location: 9q22.33.
Variant type: single nucleotide variant.
Coding change: c.1463T>G on transcript NM_024642.5 (MANE Select); coding-DNA position 1463, T replaced by G.
Protein change: p.Phe488Cys; replaces phenylalanine 488 with cysteine.
Molecular consequence: missense variant.
Genome position (GRCh38, 1-based): chr9:98,845,981, T>G. VCF-style: chr9-98845981-T-G. GRCh37 (hg19) VCF-style: chr9-101608263-T-G.
Other names: c.1463T>G (NM_024642.4); short protein forms F488C.
Identifiers: ClinVar variation 2139241 (VCV002139241.9), dbSNP rs1272025858, ClinGen allele CA374221594.
Genomic context (GRCh38, chr9:98,845,981, plus strand): 5'-CCTCTTCCCACATCAGTGGAAAATGTTGTGTTACATGTTGGCTGCCCCATTTTTAGTTTT[T>G]CGAGTACACGTCCCAGAAAGAAATACGCTATAACACCCACCAGCCTGAGGGCTGCATTGC-3'
Protein context (NP_078918.3, residues 478-498): LCHGMGQNQF[Phe488Cys]EYTSQKEIRY

ClinVar aggregate classification (germline): Uncertain significance. Review status: criteria provided, multiple submitters, no conflicts (2 of 4 stars). 3 submissions from 3 submitters: Uncertain significance (3). Last evaluated 2025-08-08.

Conditions:
Colorectal cancer, susceptibility to, 1. Also called: COLORECTAL ADENOMA AND CANCER, SUSCEPTIBILITY TO; COLORECTAL CANCER, SUSCEPTIBILITY TO, ON CHROMOSOME 9. Identifiers: MedGen C1837315, MONDO:0012132, OMIM 608812.

gnomAD v4.1: 9 of 1,614,140 alleles (0.00056%); highest among the groups gnomAD compares: Non-Finnish European, 0.00076%; no homozygotes.

Submissions (3):

Ambry Genetics
Classification: Uncertain significance. Last evaluated: 2025-08-08. Review status: criteria provided, single submitter. Criteria: Ambry Variant Classification Scheme 2023. Collection method: clinical testing. Allele origin: germline.
Comment: The p.F488C variant (also known as c.1463T>G), located in coding exon 9 of the GALNT12 gene, results from a T to G substitution at nucleotide position 1463. The phenylalanine at codon 488 is replaced by cysteine, an amino acid with highly dissimilar properties. This amino acid position is conserved. In addition, this alteration is predicted to be deleterious by in silico analysis. Since supporting evidence is limited at this time, the clinical significance of this alteration remains unclear.

Fulgent Genetics
Classification: Uncertain significance for Colorectal cancer, susceptibility to, 1. Last evaluated: 2024-04-24. Review status: criteria provided, single submitter. Criteria: ACMG Guidelines, 2015. Collection method: clinical testing. Allele origin: germline.

Labcorp Genetics (formerly Invitae), Labcorp
Classification: Uncertain significance. Last evaluated: 2024-04-16. Review status: criteria provided, single submitter. Criteria: Invitae Variant Classification Sherloc (09022015). Collection method: clinical testing. Allele origin: germline.
Comment: This sequence change replaces phenylalanine, which is neutral and non-polar, with cysteine, which is neutral and slightly polar, at codon 488 of the GALNT12 protein (p.Phe488Cys). This variant is present in population databases (no rsID available, gnomAD 0.0009%). This variant has not been reported in the literature in individuals affected with GALNT12-related conditions. ClinVar contains an entry for this variant (Variation ID: 2139241). Advanced modeling of protein sequence and biophysical properties (such as structural, functional, and spatial information, amino acid conservation, physicochemical variation, residue mobility, and thermodynamic stability) performed at Invitae indicates that this missense variant is not expected to disrupt GALNT12 protein function with a negative predictive value of 80%. In summary, the available evidence is currently insufficient to determine the role of this variant in disease. Therefore, it has been classified as a Variant of Uncertain Significance.